The following is an entry in ClinVar:

NM_002470.4(MYH3):c.3707T>C (p.Met1236Thr)

Gene: MYH3 (myosin heavy chain 3; minus strand). Cytogenetic location: 17p13.1.
Variant type: single nucleotide variant.
Coding change: c.3707T>C on transcript NM_002470.4 (MANE Select); coding-DNA position 3707, T replaced by C.
Protein change: p.Met1236Thr; replaces methionine 1236 with threonine.
Molecular consequence: missense variant.
Genome position (GRCh38, 1-based): chr17:10,638,065, A>G on the plus strand (T>C on the coding strand, the complement: MYH3 is on the minus strand). VCF-style: chr17-10638065-A-G. GRCh37 (hg19) VCF-style: chr17-10541382-A-G.
Other names: short protein forms M1236T.
Identifiers: ClinVar variation 1309779 (VCV001309779.2), dbSNP rs368735855, ClinGen allele CA8392451.

ClinVar aggregate classification (germline): Uncertain significance (1 of 4 stars; one submission).

Allele frequency attached by ClinVar (database versions not stated): gnomAD exomes below 0.00001 and 0.00001; ExAC 0.00001; ESP Exome Variant Server 0.00008.

Submission:

GeneDx
Classification: Uncertain significance. Last evaluated: 2019-10-24. Review status: criteria provided, single submitter. Criteria: GeneDx Variant Classification Process June 2021. Collection method: clinical testing. Allele origin: germline. Affected: yes.
Comment: In silico analysis, which includes protein predictors and evolutionary conservation, supports a deleterious effect; Has not been previously published as pathogenic or benign to our knowledge